The following is an entry in ClinVar:

NM_001605.3(AARS1):c.2401-11A>C

Gene: AARS1 (alanyl-tRNA synthetase 1; minus strand). Cytogenetic location: 16q22.1.
Variant type: single nucleotide variant.
Coding change: c.2401-11A>C on transcript NM_001605.3 (MANE Select); 11 bases into the intron before coding-DNA position 2401, A replaced by C.
Molecular consequence: intron variant.
Genome position (GRCh38, 1-based): chr16:70,254,049, T>G on the plus strand (A>C on the coding strand, the complement: AARS1 is on the minus strand). VCF-style: chr16-70254049-T-G. GRCh37 (hg19) VCF-style: chr16-70287952-T-G.
Identifiers: ClinVar variation 388743 (VCV000388743.4), dbSNP rs377576408, ClinGen allele CA8140420.
Genomic context (GRCh38, chr16:70,254,049, plus strand): 5'-TCCCGCAATTCATCCTTCTGCCACTGGGGGATGACTGCAGTGGCCAGGGCCTGGAACCAA[T>G]AGACGACCATCTCAATCTGGGCCACAACTTGCTGGGATGTCAGGGTCCAGCCCACCCCAC-3'

ClinVar aggregate classification (germline): Likely benign. Review status: criteria provided, multiple submitters, no conflicts (2 of 4 stars). 2 submissions from 2 submitters: Likely benign (2). Last evaluated 2023-10-28.

Conditions:
Charcot-Marie-Tooth disease type 2. Also called: Charcot-Marie-Tooth type 2. Identifiers: Orphanet 64746, MedGen C0270914, MONDO:0018993.

Allele frequency attached by ClinVar (database versions not stated): TOPMed 0.00005.
gnomAD v4.1: 45 of 1,613,580 alleles (0.0028%); highest among the groups gnomAD compares: East Asian, 0.096%; no homozygotes.

Submissions (2):

Labcorp Genetics (formerly Invitae), Labcorp
Classification: Likely benign for Charcot-Marie-Tooth disease type 2. Last evaluated: 2023-10-28. Review status: criteria provided, single submitter. Criteria: Invitae Variant Classification Sherloc (09022015). Collection method: clinical testing. Allele origin: germline.

GeneDx
Classification: Likely benign. Last evaluated: 2016-10-20. Review status: criteria provided, single submitter. Criteria: GeneDx Variant Classification (06012015). Collection method: clinical testing. Allele origin: germline. Affected: yes.
Comment: This variant is considered likely benign or benign based on one or more of the following criteria: it is a conservative change, it occurs at a poorly conserved position in the protein, it is predicted to be benign by multiple in silico algorithms, and/or has population frequency not consistent with disease.